The following is an entry in ClinVar:

NM_005477.3(HCN4):c.1070T>A (p.Leu357His)

Genes: HCN4 (hyperpolarization activated cyclic nucleotide gated potassium channel 4; minus strand), LOC105370890 (uncharacterized LOC105370890; plus strand), LOC126862173 (CDK7 strongly-dependent group 2 enhancer GRCh37_chr15:73635762-73636961; plus strand). Cytogenetic location: 15q24.1.
Variant type: single nucleotide variant.
Coding change: c.1070T>A on transcript NM_005477.3 (MANE Select); coding-DNA position 1070, T replaced by A.
Protein change: p.Leu357His; replaces leucine 357 with histidine.
Molecular consequence: missense variant.
Genome position (GRCh38, 1-based): chr15:73,343,524, A>T on the plus strand (T>A on the coding strand, the complement: HCN4 is on the minus strand). VCF-style: chr15-73343524-A-T. GRCh37 (hg19) VCF-style: chr15-73635865-A-T.
Other names: short protein forms L357H.
Identifiers: ClinVar variation 940585 (VCV000940585.1), dbSNP rs2043016942, ClinGen allele CA393094913.

ClinVar aggregate classification (germline): Uncertain significance (1 of 4 stars; one submission).

Conditions:
Brugada syndrome 8 (BRGDA8). Identifiers: Orphanet 130, MedGen C2751083, MONDO:0013148, OMIM 613123.

Submission:

Labcorp Genetics (formerly Invitae), Labcorp
Classification: Uncertain significance for Brugada syndrome 8. Last evaluated: 2019-09-20. Review status: criteria provided, single submitter. Criteria: Invitae Variant Classification Sherloc (09022015). Collection method: clinical testing. Allele origin: germline.
Comment: This sequence change replaces leucine with histidine at codon 357 of the HCN4 protein (p.Leu357His). The leucine residue is highly conserved and there is a moderate physicochemical difference between leucine and histidine. This variant is not present in population databases (ExAC no frequency). This variant has not been reported in the literature in individuals with HCN4-related conditions. Algorithms developed to predict the effect of missense changes on protein structure and function (SIFT, PolyPhen-2, Align-GVGD) all suggest that this variant is likely to be disruptive, but these predictions have not been confirmed by published functional studies and their clinical significance is uncertain. In summary, the available evidence is currently insufficient to determine the role of this variant in disease. Therefore, it has been classified as a Variant of Uncertain Significance.